The following is an entry in ClinVar:

NM_001376232.1(ZP2):c.107G>T (p.Gly36Val)

Gene: ZP2 (zona pellucida glycoprotein 2; minus strand). Cytogenetic location: 16p12.2.
Variant type: single nucleotide variant.
Coding change: c.107G>T on transcript NM_001376232.1 (MANE Select); coding-DNA position 107, G replaced by T.
Protein change: p.Gly36Val; replaces glycine 36 with valine.
Molecular consequence: missense variant. On other transcripts: non-coding transcript variant (1).
Genome position (GRCh38, 1-based): chr16:21,211,351, C>A on the plus strand (G>T on the coding strand, the complement: ZP2 is on the minus strand). VCF-style: chr16-21211351-C-A. GRCh37 (hg19) VCF-style: chr16-21222672-C-A.
Other names: c.107G>T, p.Gly36Val (NM_001376231.1, NM_001376233.1, NM_003460.2); short protein forms G36V.
Identifiers: ClinVar variation 3060011 (VCV003060011.2), dbSNP rs2075520, ClinGen allele CA7950217.
Genomic context (GRCh38, chr16:21,211,351, plus strand): 5'-CACCCAAGAGACATACCTGGAAAGGCAGGATTTACCAACTGAGAAACATCTATGGAGTTC[C>A]CTGAAGTCACAAGGGCGAAGAAGAGAGAAATCGACCTGTAGGTGCTGGAAAGAGACAGGG-3'
Protein context (NP_001363161.1, residues 26-46): ISLFFALVTS[Gly36Val]NSIDVSQLVN

ClinVar aggregate classification (germline): Benign (0 of 4 stars; one submission).

Conditions:
ZP2-related disorder. Also called: ZP2-related condition.

Allele frequency attached by ClinVar (database versions not stated): ESP Exome Variant Server 0.39044; TOPMed 0.40608; 1000 Genomes Project 0.44808; 1000 Genomes Project 30x 0.44925; gnomAD exomes 0.29837; ExAC 0.35367; gnomAD 0.38691.
gnomAD v4.1: 495,467 of 1,613,558 alleles (31%); highest among the groups gnomAD compares: African/African-American, 61%; 82,393 homozygotes.

Submission:

PreventionGenetics, part of Exact Sciences
Classification: Benign for ZP2-related condition. Last evaluated: 2024-01-05. Review status: no assertion criteria provided. Collection method: clinical testing. Allele origin: germline.
Comment: This variant is classified as benign based on ACMG/AMP sequence variant interpretation guidelines (Richards et al. 2015 PMID: 25741868, with internal and published modifications).